The following is an entry in ClinVar:

ClinVar aggregate classification (germline): Uncertain significance (1 of 4 stars; one submission).

Conditions:
Inborn genetic diseases. Identifiers: MedGen C0950123, MeSH D030342.

gnomAD v4.1: 8 of 1,613,456 alleles (0.0005%); highest among the groups gnomAD compares: Middle Eastern, 0.018%; no homozygotes.

Submission:

Ambry Genetics
Classification: Uncertain significance for Inborn genetic diseases. Last evaluated: 2022-05-03. Review status: criteria provided, single submitter. Criteria: Ambry Variant Classification Scheme 2023. Collection method: clinical testing. Allele origin: germline.
Comment: The c.2510+5C>T intronic alteration consists of a C to T substitution 5 nucleotides after exon 10 of the COG1 gene. Based on insufficient or conflicting evidence, the clinical significance of this alteration remains unclear.

NM_018714.3(COG1):c.2510+5C>T

Gene: COG1 (component of oligomeric golgi complex 1; plus strand). Cytogenetic location: 17q25.1.
Variant type: single nucleotide variant.
Coding change: c.2510+5C>T on transcript NM_018714.3 (MANE Select); 5 bases into the intron after coding-DNA position 2510, C replaced by T.
Molecular consequence: intron variant.
Genome position (GRCh38, 1-based): chr17:73,205,685, C>T. VCF-style: chr17-73205685-C-T. GRCh37 (hg19) VCF-style: chr17-71201824-C-T.
Identifiers: ClinVar variation 2279908 (VCV002279908.2), dbSNP rs747068760, ClinGen allele CA293810852.
Genomic context (GRCh38, chr17:73,205,685, plus strand): 5'-GTTCTGACAGCCAAGGGTGACGAGGTGAAGAGTGGCCGGAGCAAGCCAGACTCCAGGTGT[C>T]GTATCCTCTAGGGAGCTATGTCAAGGCGGTCTCTTCCAAAAGCAAATAGTCCCTTTGCTG-3'